The following is an entry in ClinVar:

NM_002227.4(JAK1):c.884C>T (p.Ser295Leu)

Gene: JAK1 (Janus kinase 1; minus strand). Cytogenetic location: 1p31.3.
Variant type: single nucleotide variant.
Coding change: c.884C>T on transcript NM_002227.4 (MANE Select); coding-DNA position 884, C replaced by T.
Protein change: p.Ser295Leu; replaces serine 295 with leucine.
Molecular consequence: missense variant.
Genome position (GRCh38, 1-based): chr1:64,866,972, G>A on the plus strand (C>T on the coding strand, the complement: JAK1 is on the minus strand). VCF-style: chr1-64866972-G-A. GRCh37 (hg19) VCF-style: chr1-65332655-G-A.
Other names: c.884C>T, p.Ser295Leu (NM_001320923.2, NM_001321852.2, NM_001321853.2 and 4 more transcripts); short protein forms S295L.
Identifiers: ClinVar variation 1495979 (VCV001495979.8), dbSNP rs2101114398, ClinGen allele CA340675104.

ClinVar aggregate classification (germline): Uncertain significance (1 of 4 stars; one submission).

Allele frequency attached by ClinVar (database versions not stated): gnomAD exomes 0.00001.
gnomAD v4.1: 20 of 1,614,158 alleles (0.0012%); highest among the groups gnomAD compares: Non-Finnish European, 0.0017%; no homozygotes.

Submission:

Labcorp Genetics (formerly Invitae), Labcorp
Classification: Uncertain significance. Last evaluated: 2022-06-20. Review status: criteria provided, single submitter. Criteria: Invitae Variant Classification Sherloc (09022015). Collection method: clinical testing. Allele origin: germline.
Comment: In summary, the available evidence is currently insufficient to determine the role of this variant in disease. Therefore, it has been classified as a Variant of Uncertain Significance. Algorithms developed to predict the effect of missense changes on protein structure and function are either unavailable or do not agree on the potential impact of this missense change (SIFT: "Not Available"; PolyPhen-2: "Benign"; Align-GVGD: "Not Available"). This variant has not been reported in the literature in individuals affected with JAK1-related conditions. This variant is not present in population databases (gnomAD no frequency). This sequence change replaces serine, which is neutral and polar, with leucine, which is neutral and non-polar, at codon 295 of the JAK1 protein (p.Ser295Leu).